The following is an entry in ClinVar:

ClinVar aggregate classification (germline): Uncertain significance (1 of 4 stars; one submission).

Conditions:
Combined immunodeficiency due to DOCK8 deficiency (HIES2). Also called: HIES autosomal recessive; HYPER-IgE RECURRENT INFECTION SYNDROME 2, AUTOSOMAL RECESSIVE; Hyper-IgE recurrent infection syndrome, autosomal recessive; HYPER-IgE SYNDROME 2, AUTOSOMAL RECESSIVE, WITH RECURRENT INFECTIONS; DOCK8 Deficiency. Identifiers: Orphanet 217390, MedGen C4722305, MONDO:0009478, OMIM 243700.

Allele frequency attached by ClinVar (database versions not stated): gnomAD exomes below 0.00001.
gnomAD v4.1: 1 of 1,614,188 alleles (0.000062%); highest among the groups gnomAD compares: Middle Eastern, 0.016%; no homozygotes.

Submission:

Labcorp Genetics (formerly Invitae), Labcorp
Classification: Uncertain significance for Combined immunodeficiency due to DOCK8 deficiency. Last evaluated: 2021-08-24. Review status: criteria provided, single submitter. Criteria: Invitae Variant Classification Sherloc (09022015). Collection method: clinical testing. Allele origin: germline.
Comment: This sequence change replaces histidine with leucine at codon 961 of the DOCK8 protein (p.His961Leu). The histidine residue is highly conserved and there is a moderate physicochemical difference between histidine and leucine. This variant is not present in population databases (ExAC no frequency). This variant has not been reported in the literature in individuals affected with DOCK8-related conditions. Algorithms developed to predict the effect of missense changes on protein structure and function (SIFT, PolyPhen-2, Align-GVGD) all suggest that this variant is likely to be disruptive. In summary, the available evidence is currently insufficient to determine the role of this variant in disease. Therefore, it has been classified as a Variant of Uncertain Significance.

NM_203447.4(DOCK8):c.2882A>T (p.His961Leu)

Gene: DOCK8 (dedicator of cytokinesis 8; plus strand). Cytogenetic location: 9p24.3.
Variant type: single nucleotide variant.
Coding change: c.2882A>T on transcript NM_203447.4 (MANE Select); coding-DNA position 2882, A replaced by T.
Protein change: p.His961Leu; replaces histidine 961 with leucine.
Molecular consequence: missense variant.
Genome position (GRCh38, 1-based): chr9:390,478, A>T. VCF-style: chr9-390478-A-T. GRCh37 (hg19) VCF-style: chr9-390478-A-T.
Other names: c.2582A>T, p.His861Leu (NM_001190458.2); c.2678A>T, p.His893Leu (NM_001193536.2); short protein forms H961L, H861L, H893L.
Identifiers: ClinVar variation 536594 (VCV000536594.6), dbSNP rs1554688666, ClinGen allele CA372751000.